The following is an entry in ClinVar:

NM_005896.4(IDH1):c.1223A>C (p.Lys408Thr)

Gene: IDH1 (isocitrate dehydrogenase (NADP(+)) 1; minus strand). Cytogenetic location: 2q34.
Variant type: single nucleotide variant.
Coding change: c.1223A>C on transcript NM_005896.4 (MANE Select); coding-DNA position 1223, A replaced by C.
Protein change: p.Lys408Thr; replaces lysine 408 with threonine.
Molecular consequence: missense variant.
Genome position (GRCh38, 1-based): chr2:208,237,101, T>G on the plus strand (A>C on the coding strand, the complement: IDH1 is on the minus strand). VCF-style: chr2-208237101-T-G. GRCh37 (hg19) VCF-style: chr2-209101825-T-G.
Other names: c.1223A>C, p.Lys408Thr (NM_001282386.1, NM_001282387.1); short protein forms K408T.
Identifiers: ClinVar variation 3225130 (VCV003225130.1), dbSNP rs2469010395, ClinGen allele CA350093518.

ClinVar aggregate classification (germline): Uncertain significance (1 of 4 stars; one submission).

Submission:

Ambry Genetics
Classification: Uncertain significance. Last evaluated: 2023-12-23. Review status: criteria provided, single submitter. Criteria: Ambry Variant Classification Scheme 2023. Collection method: clinical testing. Allele origin: germline.
Comment: The p.K408T variant (also known as c.1223A>C), located in coding exon 8 of the IDH1 gene, results from an A to C substitution at nucleotide position 1223. The lysine at codon 408 is replaced by threonine, an amino acid with similar properties. This amino acid position is conserved. In addition, the in silico prediction for this alteration is inconclusive. Since supporting evidence is limited at this time, the clinical significance of this alteration remains unclear.